The following is an entry in ClinVar:

NM_000059.4(BRCA2):c.492G>A (p.Leu164=)

Gene: BRCA2 (BRCA2 DNA repair associated; plus strand). Cytogenetic location: 13q13.1.
Variant type: single nucleotide variant.
Coding change: c.492G>A on transcript NM_000059.4 (MANE Select); coding-DNA position 492, G replaced by A.
Protein change: p.Leu164=; no amino-acid change (leucine 164 retained).
Molecular consequence: synonymous variant.
Genome position (GRCh38, 1-based): chr13:32,326,258, G>A. VCF-style: chr13-32326258-G-A. GRCh37 (hg19) VCF-style: chr13-32900395-G-A.
Identifiers: ClinVar variation 379126 (VCV000379126.1), dbSNP rs1057520502, ClinGen allele CA16606407.
Genomic context (GRCh38, chr13:32,326,258, plus strand): 5'-AATAAAAATAAAACTTAACAATTTTCCCCTTTTTTTACCCCCAGTGGTATGTGGGAGTTT[G>A]TTTCATACACCAAAGTTTGTGAAGGTAAATATTCTACCTGGTTTATTTTTATGACTTAGT-3'
Protein context (NP_000050.3, residues 154-174): QRDKSVVCGS[Leu164=]FHTPKFVKGR

ClinVar aggregate classification (germline): Likely benign (1 of 4 stars; one submission).

Submission:

GeneDx
Classification: Likely benign. Last evaluated: 2016-11-21. Review status: criteria provided, single submitter. Criteria: GeneDx Variant Classification (06012015). Collection method: clinical testing. Allele origin: germline. Affected: yes.
Comment: This variant is considered likely benign or benign based on one or more of the following criteria: it is a conservative change, it occurs at a poorly conserved position in the protein, it is predicted to be benign by multiple in silico algorithms, and/or has population frequency not consistent with disease.